The following is an entry in ClinVar:

ClinVar aggregate classification (germline): Uncertain significance (1 of 4 stars; one submission).

Conditions:
Familial meningioma. Also called: Meningioma, familial, susceptibility to. Identifiers: Orphanet 263662, MedGen C3551915, MONDO:0011789, OMIM 607174.

Submission:

Labcorp Genetics (formerly Invitae), Labcorp
Classification: Uncertain significance for Familial meningioma. Last evaluated: 2025-08-13. Review status: criteria provided, single submitter. Criteria: Invitae Variant Classification Sherloc (09022015). Collection method: clinical testing. Allele origin: germline.
Comment: This sequence change replaces valine, which is neutral and non-polar, with alanine, which is neutral and non-polar, at codon 84 of the SMARCE1 protein (p.Val84Ala). This variant is not present in population databases (gnomAD no frequency). This variant has not been reported in the literature in individuals affected with SMARCE1-related conditions. Invitae Evidence Modeling of protein sequence and biophysical properties (such as structural, functional, and spatial information, amino acid conservation, physicochemical variation, residue mobility, and thermodynamic stability) indicates that this missense variant is expected to disrupt SMARCE1 protein function with a positive predictive value of 80%. In summary, the available evidence is currently insufficient to determine the role of this variant in disease. Therefore, it has been classified as a Variant of Uncertain Significance.

NM_003079.5(SMARCE1):c.251T>C (p.Val84Ala)

Gene: SMARCE1 (SWI/SNF related BAF chromatin remodeling complex subunit E1; minus strand). Cytogenetic location: 17q21.2.
Variant type: single nucleotide variant.
Coding change: c.251T>C on transcript NM_003079.5 (MANE Select); coding-DNA position 251, T replaced by C.
Protein change: p.Val84Ala; replaces valine 84 with alanine.
Molecular consequence: missense variant.
Genome position (GRCh38, 1-based): chr17:40,636,513, A>G on the plus strand (T>C on the coding strand, the complement: SMARCE1 is on the minus strand). VCF-style: chr17-40636513-A-G. GRCh37 (hg19) VCF-style: chr17-38792765-A-G.
Other names: short protein forms V84A.
Identifiers: ClinVar variation 4740547 (VCV004740547.1).